The following is an entry in ClinVar:

ClinVar aggregate classification (germline): Pathogenic/Likely pathogenic. Review status: criteria provided, multiple submitters, no conflicts (2 of 4 stars). 14 submissions from 14 submitters: Pathogenic (12); Likely pathogenic (2). Last evaluated 2026-05-15.

Conditions:
Gastrointestinal stromal tumor. Also called: Gastrointestinal stromal tumor, somatic; Gastrointestinal stroma tumor. Identifiers: Orphanet 44890, MedGen C0238198, MeSH D046152, MONDO:0011719, OMIM 606764, HP:0100723.
Pheochromocytoma. Also called: MAX-Related Hereditary Paraganglioma-Pheochromocytoma Syndrome. Identifiers: Orphanet 29072, MedGen C0031511, MONDO:0008233, OMIM 171300, HP:0002666.
Pheochromocytoma/paraganglioma syndrome 4. Also called: PARAGANGLIOMA, FAMILIAL MALIGNANT; PARAGANGLIOMAS, HEREDITARY EXTRAADRENAL; PHEOCHROMOCYTOMA, FAMILIAL EXTRAADRENAL; Paragangliomas 4; SDHB-Related Hereditary Paraganglioma-Pheochromocytoma Syndrome (Paragangliomas 4); SDHB-Related Hereditary Paraganglioma-Pheochromocytoma Syndrome. Identifiers: Orphanet 29072, MedGen C1861848, MONDO:0007273, OMIM 115310.
Carney-Stratakis syndrome. Also called: PARAGANGLIOMA AND GASTROINTESTINAL STROMAL TUMOR. Identifiers: Orphanet 97286, MedGen C1847319, MONDO:0011740, OMIM 606864.
Hereditary cancer-predisposing syndrome. Also called: Neoplastic Syndromes, Hereditary; Hereditary neoplastic syndrome; Hereditary Cancer Syndrome; Tumor predisposition. Identifiers: Orphanet 140162, MedGen C0027672, MeSH D009386, MONDO:0015356.
Hereditary pheochromocytoma and paraganglioma. Also called: Hereditary Paraganglioma-Pheochromocytoma Syndromes; Hereditary pheochromocytoma-paraganglioma; Hereditary paragangliomas and pheochromocytomas. Identifiers: Orphanet 29072, MedGen C4274332, MONDO:0017366.

Allele frequency attached by ClinVar (database versions not stated): TOPMed 0.00001.

Submissions 1 to 10 of 14:

Women's Health and Genetics/Laboratory Corporation of America, LabCorp
Classification: Pathogenic for Hereditary pheochromocytoma and paraganglioma. Last evaluated: 2026-05-15. Review status: criteria provided, single submitter. Criteria: LabCorp Variant Classification Summary - May 2015. Collection method: clinical testing. Allele origin: germline.
Comment: Variant summary: SDHB c.640C>T (p.Gln214X) results in a premature termination codon, predicted to cause a truncation of the encoded protein or absence of the protein due to nonsense mediated decay, which are commonly known mechanisms for disease. Several computational tools predict a significant impact on normal splicing: Two predict the variant weakens a 5' donor site. Two predict the variant abolishes a 5' splicing donor site. However, these predictions have yet to be confirmed by functional studies. The variant was absent in 251290 control chromosomes. c.640C>T has been reported in the literature in individuals affected with Hereditary Paraganglioma-Pheochromocytoma Syndrome (Reusch_2007, Kim_2009). These data indicate that the variant may be associated with disease. To our knowledge, no experimental evidence demonstrating an impact on protein function has been reported. The following publications have been ascertained in the context of this evaluation (PMID: 19694205, 17943698). ClinVar contains an entry for this variant (Variation ID: 230243). Based on the evidence outlined above, the variant was classified as pathogenic.

Labcorp Genetics (formerly Invitae), Labcorp
Classification: Pathogenic for Gastrointestinal stromal tumor; Pheochromocytoma/paraganglioma syndrome 4; Pheochromocytoma. Last evaluated: 2026-01-25. Review status: criteria provided, single submitter. Criteria: Invitae Variant Classification Sherloc (09022015). Collection method: clinical testing. Allele origin: germline.
Comment: This sequence change creates a premature translational stop signal (p.Gln214*) in the SDHB gene. It is expected to result in an absent or disrupted protein product. Loss-of-function variants in SDHB are known to be pathogenic (PMID: 19454582, 19802898). This variant is not present in population databases (gnomAD no frequency). This premature translational stop signal has been observed in individual(s) with pheochromocytoma and paraganglioma (PMID: 17943698, 19694205). ClinVar contains an entry for this variant (Variation ID: 230243). Studies have shown that this premature translational stop signal is associated with inconclusive levels of altered splicing (internal data). For these reasons, this variant has been classified as Pathogenic.

Quest Diagnostics Nichols Institute San Juan Capistrano
Classification: Pathogenic. Last evaluated: 2025-05-28. Review status: criteria provided, single submitter. Criteria: Quest Diagnostics criteria. Collection method: clinical testing. Allele origin: unknown.
Comment: The SDHB c.640C>T (p.Gln214*) variant causes the premature termination of SDHB protein synthesis. This variant has been reported in the published literature in individuals with neck tumor (PMID: 34654328 (2024)), pheochromocytoma (PMID: 17943698 (2007)), ischemic stroke and rhabdomyolysis (PMID: 19694205 (2009)), and neuroendocrine and adrenal tumor (PMID: 35988656 (2022)). This variant has not been reported in large, multi-ethnic general populations (Genome Aggregation Database). Based on the available information, this variant is classified as pathogenic.

GeneDx
Classification: Pathogenic. Last evaluated: 2024-11-13. Review status: criteria provided, single submitter. Criteria: GeneDx Variant Classification Process June 2021. Collection method: clinical testing. Allele origin: germline. Affected: yes.
Comment: Nonsense variant predicted to result in protein truncation or nonsense mediated decay in a gene for which loss of function is a known mechanism of disease; Not observed at significant frequency in large population cohorts (gnomAD); This variant is associated with the following publications: (PMID: 19694205, 25525159, 17943698, 28873162, 30787465, 36113475, 35988656)

All of Us Research Program, National Institutes of Health
Classification: Pathogenic for Hereditary pheochromocytoma and paraganglioma. Last evaluated: 2023-11-02. Review status: criteria provided, single submitter. Criteria: ACMG Guidelines, 2015. Collection method: clinical testing. Allele origin: germline. Inheritance: Autosomal dominant inheritance. Observed: 1 variant allele, 1 heterozygote.
Comment: This variant changes 1 nucleotide in exon 6 of the SDHB gene, creating a premature translation stop signal. This variant is expected to result in an absent or non-functional protein product. This variant has been reported in individuals affected with hereditary paranganglioma-pheochromocytoma syndrome (PMID: 17943698, 19694205, 32460727, 34654328). This variant has not been identified in the general population by the Genome Aggregation Database (gnomAD). Loss of SDHB function is a known mechanism of disease. Based on the available evidence, this variant is classified as Pathogenic.

This study involves interpretation of variants in research participants for the purpose of population health screening. Participant phenotype was not available at the time of variant classification. Additional details can be found in publication PMID: 35346344, PMCID: PMC8962531

Institute for Genomic Medicine (IGM) Clinical Laboratory, Nationwide Children's Hospital
Classification: Pathogenic for Pheochromocytoma/paraganglioma syndrome 4. Last evaluated: 2023-08-31. Review status: criteria provided, single submitter. Criteria: ACMG Guidelines, 2015. Collection method: clinical testing. Allele origin: germline.
Comment: This variant is predicted to result in loss of function through nonsense-mediated decay of the encoded transcript or premature truncation of the encoded protein in a gene in which loss of function is a known mechanism of disease (ACMG/AMP: PVS1). This variant has been reported at an elevated frequency in affected individuals/in multiple affected individuals in the literature (ACMG/AMP: PS4_Moderate; PMIDs:17943698, 19694205, 28873162, 30894706). This variant is absent from or present at an exceedingly low frequency in gnomAD, a large-scale control population database (ACMG/AMP: PM2).

Color Diagnostics, LLC DBA Color Health
Classification: Pathogenic for Hereditary pheochromocytoma and paraganglioma. Last evaluated: 2023-06-28. Review status: criteria provided, single submitter. Criteria: ACMG Guidelines, 2015. Collection method: clinical testing. Allele origin: germline.
Comment: This variant changes 1 nucleotide in exon 6 of the SDHB gene, creating a premature translation stop signal. This variant is expected to result in an absent or non-functional protein product. This variant has been reported in individuals affected with hereditary paranganglioma-pheochromocytoma syndrome (PMID: 17943698, 19694205, 32460727, 34654328). This variant has not been identified in the general population by the Genome Aggregation Database (gnomAD). Loss of SDHB function is a known mechanism of disease. Based on the available evidence, this variant is classified as Pathogenic.

Myriad Genetics, Inc.
Classification: Pathogenic for Pheochromocytoma/paraganglioma syndrome 4. Last evaluated: 2023-03-15. Review status: criteria provided, single submitter. Criteria: Myriad Autosomal Dominant, Autosomal Recessive and X-Linked Classification Criteria (2023). Collection method: clinical testing. Allele origin: unknown.
Comment: This variant is considered pathogenic. This variant creates a termination codon and is predicted to result in premature protein truncation.

Ambry Genetics
Classification: Pathogenic for Hereditary cancer-predisposing syndrome. Last evaluated: 2022-07-27. Review status: criteria provided, single submitter. Criteria: Ambry Variant Classification Scheme 2023. Collection method: clinical testing. Allele origin: germline.
Comment: The p.Q214* pathogenic mutation (also known as c.640C>T) located in coding exon 6 of the SDHB gene, results from a C to T substitution at nucleotide position 640. This changes the amino acid from a glutamine to a stop codon within coding exon 6. The patient's first pheochromocytoma had been removed 18 years prior to this study (Reusch J et al. Exp Clin Endocrinol Diabetes. 2007;115(9):616-8). In addition to the clinical data presented in the literature, this alteration is expected to result in loss of function by premature protein truncation or nonsense-mediated mRNA decay. As such, this alteration is interpreted as a disease-causing mutation.

Baylor Genetics
Classification: Likely pathogenic for Gastrointestinal stromal tumor. Last evaluated: 2022-06-05. Review status: criteria provided, single submitter. Criteria: ACMG Guidelines, 2015. Collection method: clinical testing. Allele origin: unknown.

NM_003000.3(SDHB):c.640C>T (p.Gln214Ter)

Gene: SDHB (succinate dehydrogenase complex iron sulfur subunit B; minus strand). Cytogenetic location: 1p36.13.
Variant type: single nucleotide variant.
Coding change: c.640C>T on transcript NM_003000.3 (MANE Select); coding-DNA position 640, C replaced by T.
Protein change: p.Gln214Ter; replaces glutamine 214 with a stop codon.
Molecular consequence: nonsense.
Genome position (GRCh38, 1-based): chr1:17,023,975, G>A on the plus strand (C>T on the coding strand, the complement: SDHB is on the minus strand). VCF-style: chr1-17023975-G-A. GRCh37 (hg19) VCF-style: chr1-17350470-G-A.
Other names: short protein forms Q214*.
Identifiers: ClinVar variation 230243 (VCV000230243.30), dbSNP rs876658461, ClinGen allele CA10577671.